The following is an entry in ClinVar:

ClinVar aggregate classification (germline): Uncertain significance (1 of 4 stars; one submission).

Submission:

Labcorp Genetics (formerly Invitae), Labcorp
Classification: Uncertain significance. Last evaluated: 2025-12-31. Review status: criteria provided, single submitter. Criteria: Invitae Variant Classification Sherloc (09022015). Collection method: clinical testing. Allele origin: germline.
Comment: This sequence change replaces arginine, which is basic and polar, with histidine, which is basic and polar, at codon 223 of the ROM1 protein (p.Arg223His). This variant is present in population databases (no rsID available, gnomAD 0.007%). This missense change has been observed in individual(s) with retinitis pigmentosa (PMID: 31047384). ClinVar contains an entry for this variant (Variation ID: 852874). An algorithm developed to predict the effect of missense changes on protein structure and function (PolyPhen-2) suggests that this variant is likely to be disruptive. In summary, the available evidence is currently insufficient to determine the role of this variant in disease. Therefore, it has been classified as a Variant of Uncertain Significance.

Literature cited by the submitters: PubMed 31047384.

NM_000327.4(ROM1):c.668_669delinsAC (p.Arg223His)

Gene: ROM1 (retinal outer segment membrane protein 1; plus strand). Cytogenetic location: 11q12.3.
Variant type: Indel.
Coding change: c.668_669delinsAC on transcript NM_000327.4 (MANE Select); coding-DNA positions 668 to 669, GG replaced by AC.
Protein change: p.Arg223His; replaces arginine 223 with histidine.
Molecular consequence: missense variant.
Genome position (GRCh38, 1-based): chr11:62,614,335-62,614,336, GG replaced by AC. VCF-style: chr11-62614335-GG-AC. GRCh37 (hg19) VCF-style: chr11-62381807-GG-AC.
Other names: short protein forms R223H.
Identifiers: ClinVar variation 852874 (VCV000852874.7), dbSNP rs1942975067, ClinGen allele CA916083243.